The following is an entry in ClinVar:

ClinVar aggregate classification (germline): Uncertain significance (1 of 4 stars; one submission).

Conditions:
Leber congenital amaurosis 3 (LCA3). Also called: SPATA7-Related Retinitis Pigmentosa. Identifiers: MedGen C1858677, MONDO:0011415, OMIM 604232.

Allele frequency attached by ClinVar (database versions not stated): gnomAD exomes below 0.00001.
gnomAD v4.1: 1 of 1,603,900 alleles (0.000062%); highest among the groups gnomAD compares: Non-Finnish European, 0.000085%; no homozygotes.

Submission:

Labcorp Genetics (formerly Invitae), Labcorp
Classification: Uncertain significance for Leber congenital amaurosis 3. Last evaluated: 2022-09-06. Review status: criteria provided, single submitter. Criteria: Invitae Variant Classification Sherloc (09022015). Collection method: clinical testing. Allele origin: germline.
Comment: In summary, the available evidence is currently insufficient to determine the role of this variant in disease. Therefore, it has been classified as a Variant of Uncertain Significance. Algorithms developed to predict the effect of missense changes on protein structure and function are either unavailable or do not agree on the potential impact of this missense change (SIFT: "Deleterious"; PolyPhen-2: "Probably Damaging"; Align-GVGD: "Class C0"). ClinVar contains an entry for this variant (Variation ID: 937193). This variant has not been reported in the literature in individuals affected with SPATA7-related conditions. This variant is not present in population databases (gnomAD no frequency). This sequence change replaces serine, which is neutral and polar, with tyrosine, which is neutral and polar, at codon 285 of the SPATA7 protein (p.Ser285Tyr).

NM_018418.5(SPATA7):c.854C>A (p.Ser285Tyr)

Gene: SPATA7 (spermatogenesis associated 7; plus strand). Cytogenetic location: 14q31.3.
Variant type: single nucleotide variant.
Coding change: c.854C>A on transcript NM_018418.5 (MANE Select); coding-DNA position 854, C replaced by A.
Protein change: p.Ser285Tyr; replaces serine 285 with tyrosine.
Molecular consequence: missense variant.
Genome position (GRCh38, 1-based): chr14:88,427,638, C>A. VCF-style: chr14-88427638-C-A. GRCh37 (hg19) VCF-style: chr14-88893982-C-A.
Other names: c.758C>A, p.Ser253Tyr (NM_001040428.4); short protein forms S253Y, S285Y.
Identifiers: ClinVar variation 937193 (VCV000937193.9), dbSNP rs2076832785, ClinGen allele CA390565623.